The following is an entry in ClinVar:

ClinVar aggregate classification (germline): Likely pathogenic. Review status: criteria provided, multiple submitters, no conflicts (2 of 4 stars). 2 submissions from 2 submitters: Likely pathogenic (2). Last evaluated 2024-05-01.

Conditions:
Leber congenital amaurosis 2 (LCA2). Also called: AMAUROSIS CONGENITA OF LEBER II; Autosomal Recessive RPE65-Related Retinal Degeneration. Identifiers: Orphanet 65, MedGen C1859844, MONDO:0008765, OMIM 204100. Disease mechanism: loss of function.
Retinitis pigmentosa 20 (RP20). Identifiers: Orphanet 791, MedGen C3151086, MONDO:0013425, OMIM 613794.
Leber congenital amaurosis (LCA). Also called: Leber's amaurosis. Identifiers: Orphanet 65, MedGen C0339527, MeSH D057130, MONDO:0018998.

Submissions (2):

Natera, Inc.
Classification: Likely pathogenic for Leber congenital amaurosis. Last evaluated: 2024-05-01. Review status: criteria provided, single submitter. Criteria: Natera Variant Classification Schema (03/2026). Collection method: clinical testing. Allele origin: germline.
Comment: The c.354-1G>A variant in RPE65 is a canonical splice acceptor site variant predicted to affect pre-mRNA splicing, which may result in an abnormal transcript and altered protein product. This variant is expected to result in nonsense mediated decay, truncation, or a dysfunctional protein product. This variant is rare in the general population with a frequency below the threshold expected for the associated phenotype(s). Given the available evidence, this variant is classified as Likely Pathogenic.

Labcorp Genetics (formerly Invitae), Labcorp
Classification: Likely pathogenic for Leber congenital amaurosis 2; Retinitis pigmentosa 20. Last evaluated: 2022-09-13. Review status: criteria provided, single submitter. Criteria: Invitae Variant Classification Sherloc (09022015). Collection method: clinical testing. Allele origin: germline.
Comment: In summary, the currently available evidence indicates that the variant is pathogenic, but additional data are needed to prove that conclusively. Therefore, this variant has been classified as Likely Pathogenic. Algorithms developed to predict the effect of sequence changes on RNA splicing suggest that this variant may disrupt the consensus splice site. ClinVar contains an entry for this variant (Variation ID: 1066312). This variant has not been reported in the literature in individuals affected with RPE65-related conditions. This variant is not present in population databases (gnomAD no frequency). This sequence change affects an acceptor splice site in intron 4 of the RPE65 gene. It is expected to disrupt RNA splicing. Variants that disrupt the donor or acceptor splice site typically lead to a loss of protein function (PMID: 16199547), and loss-of-function variants in RPE65 are known to be pathogenic (PMID: 9326941, 9501220, 9843205, 18632300).

Literature cited by the submitters: PubMed 16199547 (cited by Labcorp Genetics (formerly Invitae), Labcorp); PubMed 9326941 (cited by Labcorp Genetics (formerly Invitae), Labcorp); PubMed 9501220 (cited by Labcorp Genetics (formerly Invitae), Labcorp); PubMed 9843205 (cited by Labcorp Genetics (formerly Invitae), Labcorp); PubMed 18632300 (cited by Labcorp Genetics (formerly Invitae), Labcorp).

NM_000329.3(RPE65):c.354-1G>A

Gene: RPE65 (retinoid isomerohydrolase RPE65; minus strand). Cytogenetic location: 1p31.3.
Variant type: single nucleotide variant.
Coding change: c.354-1G>A on transcript NM_000329.3 (MANE Select); the canonical splice acceptor site of the intron before coding-DNA position 354, G replaced by A.
Molecular consequence: splice acceptor variant.
Genome position (GRCh38, 1-based): chr1:68,444,673, C>T on the plus strand (G>A on the coding strand, the complement: RPE65 is on the minus strand). VCF-style: chr1-68444673-C-T. GRCh37 (hg19) VCF-style: chr1-68910356-C-T.
Other names: c.78-1G>A (NM_001406857.1, NM_001406856.1); c.246-1G>A (NM_001406853.1); c.354-1G>A (NM_001406859.1, NM_001406860.1, NM_000329.2).
Identifiers: ClinVar variation 1066312 (VCV001066312.11), dbSNP rs2100827985, ClinGen allele CA340748038.